The following is an entry in ClinVar:

NM_006060.6(IKZF1):c.1000C>G (p.Pro334Ala)

Gene: IKZF1 (IKAROS family zinc finger 1; plus strand). Cytogenetic location: 7p12.2.
Variant type: single nucleotide variant.
Coding change: c.1000C>G on transcript NM_006060.6 (MANE Select); coding-DNA position 1000, C replaced by G.
Protein change: p.Pro334Ala; replaces proline 334 with alanine.
Molecular consequence: missense variant.
Genome position (GRCh38, 1-based): chr7:50,400,067, C>G. VCF-style: chr7-50400067-C-G. GRCh37 (hg19) VCF-style: chr7-50467765-C-G.
Other names: c.874C>G, p.Pro292Ala (NM_001220765.3, NM_001291837.2); c.709C>G, p.Pro237Ala (NM_001220767.2); c.739C>G, p.Pro247Ala (NM_001220768.2, NM_001291838.2); c.583C>G, p.Pro195Ala (NM_001220770.2); c.571C>G, p.Pro191Ala (NM_001220771.2, NM_001291841.1); c.613C>G, p.Pro205Ala (NM_001291839.2); c.310C>G, p.Pro104Ala (NM_001291840.1); c.541C>G, p.Pro181Ala (NM_001291842.1); and 3 more; short protein forms P104A, P139A, P354A, P195A, P191A, P205A, P237A, P149A.
Identifiers: ClinVar variation 2871080 (VCV002871080.3), dbSNP rs770131976, ClinGen allele CA4261443.

ClinVar aggregate classification (germline): Uncertain significance (1 of 4 stars; one submission).

Allele frequency attached by ClinVar (database versions not stated): ExAC 0.00002.
gnomAD v4.1: 3 of 1,595,878 alleles (0.00019%); highest among the groups gnomAD compares: Non-Finnish European, 0.000085%; no homozygotes.

Submission:

Labcorp Genetics (formerly Invitae), Labcorp
Classification: Uncertain significance. Last evaluated: 2024-01-22. Review status: criteria provided, single submitter. Criteria: Invitae Variant Classification Sherloc (09022015). Collection method: clinical testing. Allele origin: germline.
Comment: This sequence change replaces proline, which is neutral and non-polar, with alanine, which is neutral and non-polar, at codon 334 of the IKZF1 protein (p.Pro334Ala). This variant is present in population databases (rs770131976, gnomAD 0.001%). This variant has not been reported in the literature in individuals affected with IKZF1-related conditions. An algorithm developed to predict the effect of missense changes on protein structure and function (PolyPhen-2) suggests that this variant is likely to be disruptive. In summary, the available evidence is currently insufficient to determine the role of this variant in disease. Therefore, it has been classified as a Variant of Uncertain Significance.